The following is an entry in ClinVar:

ClinVar aggregate classification (germline): Pathogenic (1 of 4 stars; one submission).

Submission:

Labcorp Genetics (formerly Invitae), Labcorp
Classification: Pathogenic. Last evaluated: 2024-07-29. Review status: criteria provided, single submitter. Criteria: Invitae Variant Classification Sherloc (09022015). Collection method: clinical testing. Allele origin: germline.
Comment: This sequence change creates a premature translational stop signal (p.Trp1802*) in the POLE gene. It is expected to result in an absent or disrupted protein product. Loss-of-function variants in POLE are known to be pathogenic (PMID: 23230001, 25948378, 30503519). This variant is not present in population databases (gnomAD no frequency). This variant has not been reported in the literature in individuals affected with POLE-related conditions. For these reasons, this variant has been classified as Pathogenic.

Literature cited by the submitters: PubMed 23230001; PubMed 25948378; PubMed 30503519.

NM_006231.4(POLE):c.5406G>A (p.Trp1802Ter)

Gene: POLE (DNA polymerase epsilon, catalytic subunit; minus strand). Cytogenetic location: 12q24.33.
Variant type: single nucleotide variant.
Coding change: c.5406G>A on transcript NM_006231.4 (MANE Select); coding-DNA position 5406, G replaced by A.
Protein change: p.Trp1802Ter; replaces tryptophan 1802 with a stop codon.
Molecular consequence: nonsense.
Genome position (GRCh38, 1-based): chr12:132,639,271, C>T on the plus strand (G>A on the coding strand, the complement: POLE is on the minus strand). VCF-style: chr12-132639271-C-T. GRCh37 (hg19) VCF-style: chr12-133215857-C-T.
Other names: short protein forms W1802*.
Identifiers: ClinVar variation 3611993 (VCV003611993.2).